The following is an entry in ClinVar:

ClinVar aggregate classification (germline): Uncertain significance (1 of 4 stars; one submission).

Conditions:
RASopathy. Also called: Noonan spectrum disorder; rasopathies. Identifiers: Orphanet 536391, MedGen C5555857, MONDO:0021060.

Allele frequency attached by ClinVar (database versions not stated): gnomAD exomes below 0.00001; gnomAD 0.00001.

Submission:

Labcorp Genetics (formerly Invitae), Labcorp
Classification: Uncertain significance for RASopathy. Last evaluated: 2025-12-28. Review status: criteria provided, single submitter. Criteria: Invitae Variant Classification Sherloc (09022015). Collection method: clinical testing. Allele origin: germline.
Comment: This sequence change replaces cysteine, which is neutral and slightly polar, with tyrosine, which is neutral and polar, at codon 419 of the CBL protein (p.Cys419Tyr). This variant is present in population databases (no rsID available, gnomAD 0.0009%). This variant has not been reported in the literature in individuals affected with CBL-related conditions. ClinVar contains an entry for this variant (Variation ID: 2197507). Invitae Evidence Modeling of protein sequence and biophysical properties (such as structural, functional, and spatial information, amino acid conservation, physicochemical variation, residue mobility, and thermodynamic stability) indicates that this missense variant is expected to disrupt CBL protein function with a positive predictive value of 95%. In summary, the available evidence is currently insufficient to determine the role of this variant in disease. Therefore, it has been classified as a Variant of Uncertain Significance.

NM_005188.4(CBL):c.1256G>A (p.Cys419Tyr)

Gene: CBL (Cbl proto-oncogene; plus strand). Cytogenetic location: 11q23.3.
Variant type: single nucleotide variant.
Coding change: c.1256G>A on transcript NM_005188.4 (MANE Select); coding-DNA position 1256, G replaced by A.
Protein change: p.Cys419Tyr; replaces cysteine 419 with tyrosine.
Molecular consequence: missense variant.
Genome position (GRCh38, 1-based): chr11:119,278,538, G>A. VCF-style: chr11-119278538-G-A. GRCh37 (hg19) VCF-style: chr11-119149248-G-A.
Other names: short protein forms C419Y.
Identifiers: ClinVar variation 2197507 (VCV002197507.4), dbSNP rs1225668816, ClinGen allele CA382913822.